The following is an entry in ClinVar:

ClinVar aggregate classification (germline): Uncertain significance. Review status: criteria provided, multiple submitters, no conflicts (2 of 4 stars). 3 submissions from 3 submitters: Uncertain significance (3). Last evaluated 2026-03-26.

Conditions:
Telangiectasia, hereditary hemorrhagic, type 1 (HHT1). Also called: Osler Weber Rendu syndrome type 1; ENG-Related Hereditary Hemorrhagic Telangiectasia. Identifiers: Orphanet 774, MedGen C4551861, MONDO:0008535, OMIM 187300. Disease mechanism: loss of function.
Hereditary hemorrhagic telangiectasia (HHT). Also called: Osler hemorrhagic telangiectasia syndrome; ORW DISEASE; Osler Weber Rendu syndrome; OSLER-RENDU-WEBER DISEASE. Identifiers: Orphanet 774, MedGen C0039445, MONDO:0019180. Disease mechanism: loss of function.
Cardiovascular phenotype. Identifiers: MedGen CN230736.

Allele frequency attached by ClinVar (database versions not stated): gnomAD 0.00001; gnomAD exomes below 0.00001; ExAC 0.00001; TOPMed 0.00001.
gnomAD v4.1: 1 of 1,613,814 alleles (0.000062%); highest among the groups gnomAD compares: African/African-American, 0.0013%; no homozygotes.

Submissions (3):

Ambry Genetics
Classification: Uncertain significance for Cardiovascular phenotype. Last evaluated: 2026-03-26. Review status: criteria provided, single submitter. Criteria: Ambry Variant Classification Scheme 2023. Collection method: clinical testing. Allele origin: germline.
Comment: The p.K438R variant (also known as c.1313A>G), located in coding exon 11 of the ENG gene, results from an A to G substitution at nucleotide position 1313. The lysine at codon 438 is replaced by arginine, an amino acid with highly similar properties. This amino acid position is conserved. In addition, this alteration is predicted to be tolerated by in silico analysis. Based on the available evidence, the clinical significance of this variant remains unclear.

Labcorp Genetics (formerly Invitae), Labcorp
Classification: Uncertain significance for Hereditary hemorrhagic telangiectasia. Last evaluated: 2022-08-22. Review status: criteria provided, single submitter. Criteria: Invitae Variant Classification Sherloc (09022015). Collection method: clinical testing. Allele origin: germline.
Comment: This sequence change replaces lysine, which is basic and polar, with arginine, which is basic and polar, at codon 438 of the ENG protein (p.Lys438Arg). This variant is present in population databases (rs755962839, gnomAD 0.007%). In summary, the available evidence is currently insufficient to determine the role of this variant in disease. Therefore, it has been classified as a Variant of Uncertain Significance. Algorithms developed to predict the effect of sequence changes on RNA splicing suggest that this variant may create or strengthen a splice site. Algorithms developed to predict the effect of missense changes on protein structure and function output the following: SIFT: "Tolerated"; PolyPhen-2: "Benign"; Align-GVGD: "Class C0". The arginine amino acid residue is found in multiple mammalian species, which suggests that this missense change does not adversely affect protein function. ClinVar contains an entry for this variant (Variation ID: 569033). This variant has not been reported in the literature in individuals affected with ENG-related conditions.

Fulgent Genetics
Classification: Uncertain significance for Telangiectasia, hereditary hemorrhagic, type 1. Last evaluated: 2021-07-12. Review status: criteria provided, single submitter. Criteria: ACMG Guidelines, 2015. Collection method: clinical testing. Allele origin: unknown.

NM_001114753.3(ENG):c.1313A>G (p.Lys438Arg)

Genes: ENG (endoglin; minus strand), LOC102723566 (uncharacterized LOC102723566; plus strand). Cytogenetic location: 9q34.11.
Variant type: single nucleotide variant.
Coding change: c.1313A>G on transcript NM_001114753.3 (MANE Select); coding-DNA position 1313, A replaced by G.
Protein change: p.Lys438Arg; replaces lysine 438 with arginine.
Molecular consequence: missense variant.
Genome position (GRCh38, 1-based): chr9:127,818,831, T>C on the plus strand (A>G on the coding strand, the complement: ENG is on the minus strand). VCF-style: chr9-127818831-T-C. GRCh37 (hg19) VCF-style: chr9-130581110-T-C.
Other names: c.1313A>G, p.Lys438Arg (NM_000118.4); c.767A>G, p.Lys256Arg (NM_001278138.2); c.1313A>G (NM_001114753.1); short protein forms K438R, K256R.
Identifiers: ClinVar variation 569033 (VCV000569033.13), dbSNP rs755962839, ClinGen allele CA5252802.